The following is an entry in ClinVar:

NM_001130987.2(DYSF):c.346-17C>G

Gene: DYSF (dysferlin; plus strand). Cytogenetic location: 2p13.2.
Variant type: single nucleotide variant.
Coding change: c.346-17C>G on transcript NM_001130987.2 (MANE Select); 17 bases into the intron before coding-DNA position 346, C replaced by G.
Molecular consequence: intron variant.
Genome position (GRCh38, 1-based): chr2:71,511,790, C>G. VCF-style: chr2-71511790-C-G. GRCh37 (hg19) VCF-style: chr2-71738920-C-G.
Other names: c.343-17C>G (NM_001130979.2, NM_001130981.2, NM_001130980.2 and 4 more transcripts); c.346-17C>G (NM_001130982.2, NM_001130985.2, NM_001130983.2 and 3 more transcripts).
Identifiers: ClinVar variation 1426523 (VCV001426523.3), dbSNP rs370498369, ClinGen allele CA1032079744.

ClinVar aggregate classification (germline): Uncertain significance (1 of 4 stars; one submission).

Conditions:
Neuromuscular disease caused by qualitative or quantitative defects of dysferlin. Also called: Dysferlinopathy; Qualitative or quantitative defects of dysferlin. Identifiers: Orphanet 207073, MedGen C2931687, MONDO:0016145.

gnomAD v4.1: 2 of 1,496,424 alleles (0.00013%); highest among the groups gnomAD compares: African/African-American, 0.0028%; no homozygotes.

Submission:

Labcorp Genetics (formerly Invitae), Labcorp
Classification: Uncertain significance for Neuromuscular disease caused by qualitative or quantitative defects of dysferlin. Last evaluated: 2022-03-23. Review status: criteria provided, single submitter. Criteria: Invitae Variant Classification Sherloc (09022015). Collection method: clinical testing. Allele origin: germline.
Comment: This sequence change falls in intron 4 of the DYSF gene. It does not directly change the encoded amino acid sequence of the DYSF protein. This variant is not present in population databases (gnomAD no frequency). This variant has not been reported in the literature in individuals affected with DYSF-related conditions. Algorithms developed to predict the effect of sequence changes on RNA splicing suggest that this variant may create or strengthen a splice site. In summary, the available evidence is currently insufficient to determine the role of this variant in disease. Therefore, it has been classified as a Variant of Uncertain Significance.